The following is an entry in ClinVar:

ClinVar aggregate classification (germline): Pathogenic/Likely pathogenic. Review status: criteria provided, multiple submitters, no conflicts (2 of 4 stars). 3 submissions from 3 submitters: Pathogenic (1); Likely pathogenic (2). Last evaluated 2025-07-19.

Conditions:
Bartter disease type 4B. Also called: BARTTER SYNDROME, TYPE 4B; BARTTER SYNDROME, TYPE 4B, NEONATAL, WITH SENSORINEURAL DEAFNESS; Bartter syndrome, type 4b, digenic. Identifiers: Orphanet 112, MedGen C4310805, MONDO:0000909, OMIM 613090.
Bartter disease type 3. Also called: Bartter syndrome type 3. Identifiers: Orphanet 112, Orphanet 93605, MedGen C1846343, MONDO:0011822, OMIM 607364.

Submissions (3):

GeneDx
Classification: Likely pathogenic. Last evaluated: 2025-07-19. Review status: criteria provided, single submitter. Criteria: GeneDx Variant Classification Process June 2021. Collection method: clinical testing. Allele origin: germline.
Comment: Reported in the published literature in a patient with Gitelman syndrome and in a patient with Bartter syndrome; both patients harbored additional variants; however, detailed clinical and segregation information was not provided (PMID: 28381550); Frameshift variant predicted to result in protein truncation or nonsense mediated decay in a gene for which loss of function is a known mechanism of disease; Not observed at significant frequency in large population cohorts (gnomAD); This variant is associated with the following publications: (PMID: 28381550)

Fulgent Genetics
Classification: Likely pathogenic for Bartter disease type 3; Bartter disease type 4B. Last evaluated: 2024-05-31. Review status: criteria provided, single submitter. Criteria: ACMG Guidelines, 2015. Collection method: clinical testing. Allele origin: germline.

Labcorp Genetics (formerly Invitae), Labcorp
Classification: Pathogenic. Last evaluated: 2024-04-09. Review status: criteria provided, single submitter. Criteria: Invitae Variant Classification Sherloc (09022015). Collection method: clinical testing. Allele origin: germline.
Comment: This sequence change creates a premature translational stop signal (p.Asn14Thrfs*3) in the CLCNKB gene. It is expected to result in an absent or disrupted protein product. Loss-of-function variants in CLCNKB are known to be pathogenic (PMID: 24830959, 26920127, 28381550, 29254190). This variant is not present in population databases (gnomAD no frequency). This premature translational stop signal has been observed in individual(s) with CLCNKB-related conditions (PMID: 28381550). For these reasons, this variant has been classified as Pathogenic.

Literature cited by the submitters: PubMed 24830959 (cited by Labcorp Genetics (formerly Invitae), Labcorp); PubMed 26920127 (cited by Labcorp Genetics (formerly Invitae), Labcorp); PubMed 28381550 (cited by Labcorp Genetics (formerly Invitae), Labcorp); PubMed 29254190 (cited by Labcorp Genetics (formerly Invitae), Labcorp).

NM_000085.5(CLCNKB):c.36del (p.Asn14fs)

Gene: CLCNKB (chloride voltage-gated channel Kb; plus strand). Cytogenetic location: 1p36.13.
Variant type: Deletion.
Coding change: c.36del on transcript NM_000085.5 (MANE Select); coding-DNA position 36, one base deleted (A; older notation c.36delA).
Protein change: p.Asn14fs; shifts the reading frame from asparagine 14.
Molecular consequence: frameshift variant.
Genome position (GRCh38, 1-based): chr1:16,044,528, A deleted. VCF-style (leftmost placement, unchanged base first): chr1-16044527-CA-C. GRCh37 (hg19) VCF-style: chr1-16371022-CA-C.
Other names: short protein forms N14fs.
Identifiers: ClinVar variation 3340600 (VCV003340600.5).